The following is an entry in ClinVar:

ClinVar aggregate classification (germline): Uncertain significance. Review status: criteria provided, multiple submitters, no conflicts (2 of 4 stars). 2 submissions from 2 submitters: Uncertain significance (2). Last evaluated 2023-08-28.

Conditions:
Hereditary breast ovarian cancer syndrome. Also called: Hereditary breast and ovarian cancer syndrome; Hereditary breast and ovarian cancer syndrome (HBOC); Breast and ovarian cancer; Hereditary breast and/or ovarian cancer syndrome; Hereditary breast and ovarian cancer; BRCA1- and BRCA2-Associated Hereditary Breast and Ovarian Cancer. Identifiers: Orphanet 145, MedGen C0677776, MeSH D061325, MONDO:0003582. Disease mechanism: loss of function.

Submissions (2):

Labcorp Genetics (formerly Invitae), Labcorp
Classification: Uncertain significance for Hereditary breast ovarian cancer syndrome. Last evaluated: 2023-08-28. Review status: criteria provided, single submitter. Criteria: Invitae Variant Classification Sherloc (09022015). Collection method: clinical testing. Allele origin: germline.
Comment: Advanced modeling of protein sequence and biophysical properties (such as structural, functional, and spatial information, amino acid conservation, physicochemical variation, residue mobility, and thermodynamic stability) performed at Invitae indicates that this missense variant is not expected to disrupt BRCA2 protein function. In summary, the available evidence is currently insufficient to determine the role of this variant in disease. Therefore, it has been classified as a Variant of Uncertain Significance. ClinVar contains an entry for this variant (Variation ID: 984463). This sequence change replaces glycine, which is neutral and non-polar, with arginine, which is basic and polar, at codon 185 of the BRCA2 protein (p.Gly185Arg). This variant is not present in population databases (gnomAD no frequency). This variant has not been reported in the literature in individuals affected with BRCA2-related conditions.

Women's Health and Genetics/Laboratory Corporation of America, LabCorp
Classification: Uncertain significance. Last evaluated: 2020-10-08. Review status: criteria provided, single submitter. Criteria: LabCorp Variant Classification Summary - May 2015. Collection method: clinical testing. Allele origin: germline.
Comment: Variant summary: BRCA2 c.553G>A (p.Gly185Arg) results in a non-conservative amino acid change in the encoded protein sequence. Four of five in-silico tools predict a damaging effect of the variant on protein function. The variant was absent in 251408 control chromosomes (gnomAD). The available data on variant occurrences in the general population are insufficient to allow any conclusion about variant significance. To our knowledge, no occurrence of c.553G>A in individuals affected with Hereditary Breast And Ovarian Cancer Syndrome and no experimental evidence demonstrating its impact on protein function have been reported. No clinical diagnostic laboratories have submitted clinical-significance assessments for this variant to ClinVar after 2014. Based on the evidence outlined above, the variant was classified as uncertain significance.

NM_000059.4(BRCA2):c.553G>A (p.Gly185Arg)

Gene: BRCA2 (BRCA2 DNA repair associated; plus strand). Cytogenetic location: 13q13.1.
Variant type: single nucleotide variant.
Coding change: c.553G>A on transcript NM_000059.4 (MANE Select); coding-DNA position 553, G replaced by A.
Protein change: p.Gly185Arg; replaces glycine 185 with arginine.
Molecular consequence: missense variant.
Genome position (GRCh38, 1-based): chr13:32,326,535, G>A. VCF-style: chr13-32326535-G-A. GRCh37 (hg19) VCF-style: chr13-32900672-G-A.
Other names: short protein forms G185R.
Identifiers: ClinVar variation 984463 (VCV000984463.4), dbSNP rs2072349608, ClinGen allele CA387757903.
Genomic context (GRCh38, chr13:32,326,535, plus strand): 5'-ATAAACTATTTTCTTTCCTCCCAGGGTCGTCAGACACCAAAACATATTTCTGAAAGTCTA[G>A]GAGCTGAGGTGGATCCTGATATGTCTTGGTCAAGTTCTTTAGCTACACCACCCACCCTTA-3'
Protein context (NP_000050.3, residues 175-195): QTPKHISESL[Gly185Arg]AEVDPDMSWS